The following is an entry in ClinVar:

ClinVar aggregate classification (germline): Conflicting classifications of pathogenicity. Review status: criteria provided, conflicting classifications (1 of 4 stars). 3 submissions from 3 submitters: Uncertain significance (2); Likely benign (1). Last evaluated 2026-02-16.

Conditions:
Cardiovascular phenotype. Identifiers: MedGen CN230736.
RASopathy. Also called: Noonan spectrum disorder; rasopathies. Identifiers: Orphanet 536391, MedGen C5555857, MONDO:0021060.

Allele frequency attached by ClinVar (database versions not stated): gnomAD exomes 0.00001 and 0.00002; TOPMed 0.00002; gnomAD 0.00003; ExAC 0.00004.
gnomAD v4.1: 28 of 1,608,278 alleles (0.0017%); highest among the groups gnomAD compares: African/African-American, 0.004%; no homozygotes.

Submissions (3):

Ambry Genetics
Classification: Uncertain significance for Cardiovascular phenotype. Last evaluated: 2026-02-16. Review status: criteria provided, single submitter. Criteria: Ambry Variant Classification Scheme 2023. Collection method: clinical testing. Allele origin: germline.
Comment: The c.581-3C>T intronic variant results from a C to T substitution 3 nucleotides upstream from coding exon 6 in the MAP2K2 gene. This nucleotide position is well conserved in available vertebrate species. In silico splice site analysis predicts that this alteration will not have any significant effect on splicing. Based on the available evidence, the clinical significance of this variant remains unclear.

Labcorp Genetics (formerly Invitae), Labcorp
Classification: Uncertain significance for RASopathy. Last evaluated: 2026-01-12. Review status: criteria provided, single submitter. Criteria: Invitae Variant Classification Sherloc (09022015). Collection method: clinical testing. Allele origin: germline.
Comment: This sequence change falls in intron 5 of the MAP2K2 gene. It does not directly change the encoded amino acid sequence of the MAP2K2 protein. It affects a nucleotide within the consensus splice site. This variant is present in population databases (rs754233409, gnomAD 0.003%). This variant has not been reported in the literature in individuals affected with MAP2K2-related conditions. ClinVar contains an entry for this variant (Variation ID: 1223829). Variants that disrupt the consensus splice site are a relatively common cause of aberrant splicing (PMID: 17576681, 9536098). Algorithms developed to predict the effect of sequence changes on RNA splicing suggest that this variant is not likely to affect RNA splicing. In summary, the available evidence is currently insufficient to determine the role of this variant in disease. Therefore, it has been classified as a Variant of Uncertain Significance.

GeneDx
Classification: Likely benign. Last evaluated: 2021-06-21. Review status: criteria provided, single submitter. Criteria: GeneDx Variant Classification Process June 2021. Collection method: clinical testing. Allele origin: germline. Affected: yes.

Literature cited by the submitters: PubMed 17576681 (cited by Labcorp Genetics (formerly Invitae), Labcorp); PubMed 9536098 (cited by Labcorp Genetics (formerly Invitae), Labcorp).

NM_030662.4(MAP2K2):c.581-3C>T

Gene: MAP2K2 (mitogen-activated protein kinase kinase 2; minus strand). Cytogenetic location: 19p13.3.
Variant type: single nucleotide variant.
Coding change: c.581-3C>T on transcript NM_030662.4 (MANE Select); 3 bases into the intron before coding-DNA position 581, C replaced by T.
Molecular consequence: intron variant.
Genome position (GRCh38, 1-based): chr19:4,101,146, G>A on the plus strand (C>T on the coding strand, the complement: MAP2K2 is on the minus strand). VCF-style: chr19-4101146-G-A. GRCh37 (hg19) VCF-style: chr19-4101144-G-A.
Other names: c.581-3C>T (NM_030662.3).
Identifiers: ClinVar variation 1223829 (VCV001223829.10), dbSNP rs754233409, ClinGen allele CA9090874.